The following is an entry in ClinVar:

ClinVar aggregate classification (germline): Uncertain significance. Review status: criteria provided, multiple submitters, no conflicts (2 of 4 stars). 4 submissions from 4 submitters: Uncertain significance (4). Last evaluated 2025-08-11.

Conditions:
Dyskeratosis congenita, autosomal dominant 2. Identifiers: MedGen C3151443, MONDO:0013521, OMIM 613989.
Idiopathic Pulmonary Fibrosis. Also called: Idiopathic fibrosing alveolitis, chronic form; idiopathic fibrosing alveolitis. Identifiers: Orphanet 2032, MedGen C1800706, MeSH D054990, MONDO:0800504.
Dyskeratosis congenita. Identifiers: Orphanet 1775, MedGen C0265965, MONDO:0015780.

Allele frequency attached by ClinVar (database versions not stated): ExAC 0.00001; gnomAD exomes below 0.00001.
gnomAD v4.1: 2 of 1,614,130 alleles (0.00012%); highest among the groups gnomAD compares: Non-Finnish European, 0.00017%; no homozygotes.

Submissions (4):

Ambry Genetics
Classification: Uncertain significance for Dyskeratosis congenita. Last evaluated: 2025-08-11. Review status: criteria provided, single submitter. Criteria: Ambry Variant Classification Scheme 2023. Collection method: clinical testing. Allele origin: germline.
Comment: The p.A1040S variant (also known as c.3118G>T), located in coding exon 14 of the TERT gene, results from a G to T substitution at nucleotide position 3118. The alanine at codon 1040 is replaced by serine, an amino acid with similar properties. This amino acid position is conserved. In addition, the in silico prediction for this alteration is inconclusive. Based on the available evidence, the clinical significance of this variant remains unclear.

Dasa
Classification: Uncertain significance. Last evaluated: 2024-12-06. Review status: criteria provided, single submitter. Criteria: DASA Assertion Criteria. Collection method: clinical testing. Allele origin: germline.
Comment: NM_198253.3(TERT):c.3118G>T (p.Ala1040Ser) is a missense variant that results in the substitution of alanine with serine. The affected residue or protein region has prior evidence supporting clinical relevance. This variant is rare in population databases. The currently available literature and clinical evidence are not sufficient to establish a definitive association between this variant and the reported condition. Therefore, this variant is classified as a variant of uncertain significance.

Labcorp Genetics (formerly Invitae), Labcorp
Classification: Uncertain significance for Dyskeratosis congenita, autosomal dominant 2; Idiopathic Pulmonary Fibrosis. Last evaluated: 2023-07-17. Review status: criteria provided, single submitter. Criteria: Invitae Variant Classification Sherloc (09022015). Collection method: clinical testing. Allele origin: germline.
Comment: This variant is present in population databases (rs770144114, gnomAD 0.0009%). This sequence change replaces alanine, which is neutral and non-polar, with serine, which is neutral and polar, at codon 1040 of the TERT protein (p.Ala1040Ser). This variant has not been reported in the literature in individuals affected with TERT-related conditions. In summary, the available evidence is currently insufficient to determine the role of this variant in disease. Therefore, it has been classified as a Variant of Uncertain Significance. Advanced modeling of protein sequence and biophysical properties (such as structural, functional, and spatial information, amino acid conservation, physicochemical variation, residue mobility, and thermodynamic stability) performed at Invitae indicates that this missense variant is expected to disrupt TERT protein function. ClinVar contains an entry for this variant (Variation ID: 410676).

GeneDx
Classification: Uncertain significance. Last evaluated: 2022-11-22. Review status: criteria provided, single submitter. Criteria: GeneDx Variant Classification Process June 2021. Collection method: clinical testing. Allele origin: germline. Affected: yes.
Comment: Not observed at significant frequency in large population cohorts (gnomAD); In silico analysis supports that this missense variant does not alter protein structure/function; Has not been previously published as pathogenic or benign to our knowledge

NM_198253.3(TERT):c.3118G>T (p.Ala1040Ser)

Gene: TERT (telomerase reverse transcriptase; minus strand). Cytogenetic location: 5p15.33.
Variant type: single nucleotide variant.
Coding change: c.3118G>T on transcript NM_198253.3 (MANE Select); coding-DNA position 3118, G replaced by T.
Protein change: p.Ala1040Ser; replaces alanine 1040 with serine.
Molecular consequence: missense variant. On other transcripts: non-coding transcript variant (2).
Genome position (GRCh38, 1-based): chr5:1,255,326, C>A on the plus strand (G>T on the coding strand, the complement: TERT is on the minus strand). VCF-style: chr5-1255326-C-A. GRCh37 (hg19) VCF-style: chr5-1255441-C-A.
Other names: c.2929G>T, p.Ala977Ser (NM_001193376.3); short protein forms A1040S, A977S.
Identifiers: ClinVar variation 410676 (VCV000410676.13), dbSNP rs770144114, ClinGen allele CA3184280.